The following is an entry in ClinVar:

NM_001267550.2(TTN):c.23539A>G (p.Ile7847Val)

Gene: TTN (titin; minus strand). Cytogenetic location: 2q31.2.
Variant type: single nucleotide variant.
Coding change: c.23539A>G on transcript NM_001267550.2 (MANE Select); coding-DNA position 23539, A replaced by G.
Protein change: p.Ile7847Val; replaces isoleucine 7847 with valine.
Molecular consequence: missense variant. On other transcripts: intron variant (3).
Genome position (GRCh38, 1-based): chr2:178,720,103, T>C on the plus strand (A>G on the coding strand, the complement: TTN is on the minus strand). VCF-style: chr2-178720103-T-C. GRCh37 (hg19) VCF-style: chr2-179584830-T-C.
Other names: c.22588A>G, p.Ile7530Val (NM_001256850.1); c.19807A>G, p.Ile6603Val (NM_133378.4); c.13282+17979A>G (NM_003319.4); c.13858+17979A>G (NM_133437.4); c.13657+17979A>G (NM_133432.3); short protein forms I6603V, I7530V, I7847V.
Identifiers: ClinVar variation 2430384 (VCV002430384.3), dbSNP rs1268176947, ClinGen allele CA349508797.

ClinVar aggregate classification (germline): Uncertain significance. Review status: criteria provided, multiple submitters, no conflicts (2 of 4 stars). 2 submissions from 2 submitters: Uncertain significance (2). Last evaluated 2022-08-15.

Allele frequency attached by ClinVar (database versions not stated): gnomAD 0.00001; gnomAD exomes 0.00001; TOPMed 0.00002.
gnomAD v4.1: 8 of 1,613,678 alleles (0.0005%); highest among the groups gnomAD compares: Middle Eastern, 0.016%; no homozygotes.

Submissions (2):

GeneDx
Classification: Uncertain significance. Last evaluated: 2022-08-15. Review status: criteria provided, single submitter. Criteria: GeneDx Variant Classification Process June 2021. Collection method: clinical testing. Allele origin: germline. Affected: yes.
Comment: Not observed at significant frequency in large population cohorts (gnomAD); Missense variant in a gene in which most reported pathogenic variants are truncating/loss of function; Has not been previously published as pathogenic or benign to our knowledge

Revvity Omics, Revvity
Classification: Uncertain significance. Last evaluated: 2019-07-19. Review status: criteria provided, single submitter. Criteria: ACMG Guidelines, 2015. Collection method: clinical testing. Allele origin: germline.